The following is an entry in ClinVar:

ClinVar aggregate classification (germline): Pathogenic. Review status: criteria provided, multiple submitters, no conflicts (2 of 4 stars). 2 submissions from 2 submitters: Pathogenic (2). Last evaluated 2024-07-22.

Conditions:
Infantile convulsions and choreoathetosis (ICCA). Also called: PAROXYSMAL KINESIGENIC DYSKINESIA WITH INFANTILE CONVULSIONS; PRRT2-Related Paroxysmal Kinesigenic Dyskinesia with Infantile Convulsions (PKD/IC). Identifiers: Orphanet 31709, MedGen C1865926, MONDO:0011178, OMIM 602066.
Seizures, benign familial infantile, 2 (BFIS2). Also called: CONVULSIONS, BENIGN FAMILIAL INFANTILE, 2. Identifiers: Orphanet 306, MedGen C1853995, MONDO:0011593, OMIM 605751.

Submissions (2):

Institute of Human Genetics, University of Leipzig Medical Center
Classification: Pathogenic for Seizures, benign familial infantile, 2. Last evaluated: 2024-07-22. Review status: criteria provided, single submitter. Criteria: ACMG Guidelines, 2015. Collection method: clinical testing. Allele origin: maternal. Inheritance: Autosomal dominant inheritance. Affected: yes.
Comment: Criteria applied: PVS1,PS4_MOD,PM2

Illumina Laboratory Services, Illumina
Classification: Pathogenic for Infantile convulsions and choreoathetosis. Last evaluated: 2023-06-14. Review status: criteria provided, single submitter. Criteria: ICSLVariantClassificationCriteria RUGD 01 April 2020. Collection method: clinical testing. Allele origin: unknown.
Comment: The PRRT2 c.284C>A (p.Ser95Ter) nonsense variant results in the loss of normal protein function through either protein truncation or nonsense-mediated mRNA decay. A different nucleotide change at the same position, c.284C>G, resulting in the same stop-gain consequence (p.Ser95Ter), was reported in the literature in an individual with seizures, who inherited this variant from their mother (PMID: 34041212). This variant is not observed in version 2.1.1 or version 3.1.2 of the Genome Aggregation Database. Based on the available evidence, the c.284C>A (p.Ser95Ter) variant is classified as pathogenic for PRRT2-associated paroxysmal movement disorders.

NM_145239.3(PRRT2):c.284C>A (p.Ser95Ter)

Genes: MVP-DT (MVP divergent transcript; minus strand), PRRT2 (proline rich transmembrane protein 2; plus strand). Cytogenetic location: 16p11.2.
Variant type: single nucleotide variant.
Coding change: c.284C>A on transcript NM_145239.3 (MANE Select); coding-DNA position 284, C replaced by A.
Protein change: p.Ser95Ter; replaces serine 95 with a stop codon.
Molecular consequence: nonsense.
Genome position (GRCh38, 1-based): chr16:29,813,338, C>A. VCF-style: chr16-29813338-C-A. GRCh37 (hg19) VCF-style: chr16-29824659-C-A.
Other names: c.284C>A, p.Ser95Ter (NM_001256442.2, NM_001256443.2); short protein forms S95*.
Identifiers: ClinVar variation 2627914 (VCV002627914.4), dbSNP rs2543332388, ClinGen allele CA395478004.